The following is an entry in ClinVar:

ClinVar aggregate classification (germline): Uncertain significance (1 of 4 stars; one submission).

Allele frequency attached by ClinVar (database versions not stated): gnomAD exomes below 0.00001; gnomAD 0.00001.
gnomAD v4.1: 6 of 1,611,724 alleles (0.00037%); highest among the groups gnomAD compares: African/African-American, 0.0013%; no homozygotes.

Submission:

GeneDx
Classification: Uncertain significance. Last evaluated: 2015-03-02. Review status: criteria provided, single submitter. Criteria: GeneDx Variant Classification (06012015). Collection method: clinical testing. Allele origin: germline. Affected: yes.
Comment: p.Thr1005Ala (T1005A) ACG>GCG: c.3013 A>G in exon 39 of the COL5A1 gene (NM_000093.3)A variant of unknown significance has been identified in the COL5A1 gene. The T1005A variant has not been published as a mutation, nor has it been reported as a benign polymorphism to our knowledge. The T1005A variant was not observed in approximately 6500 individuals of European and African American ancestry in the NHLBI Exome Sequencing Project, indicating it is not a common benign variant in these populations. The T1005A variant is a non-conservative amino acid substitution, which is likely to impact secondary protein structure as these residues differ in polarity, charge, size and/or other properties. Located within the triple helical region, this substitution occurs at a position that is moderately conserved across vertebrates. In silico analysis predicts this variant is probably damaging to the protein structure/function. However, no definitive missense mutations in nearby residues have been reported, indicating that this region of the protein may be tolerant of change.The T1005A variant does not affect a Glycine residue in a Gly-X-Y motif in the triple helical region of the COL5A1 gene, where the majority of missense mutations occur (Symoens et al., 2012).Therefore, based on the currently available information, it is unclear whether this variant is a pathogenic mutation or a rare benign variant. This variant was found in TAADV2-1

NM_000093.5(COL5A1):c.3013A>G (p.Thr1005Ala)

Gene: COL5A1 (collagen type V alpha 1 chain; plus strand). Cytogenetic location: 9q34.3.
Variant type: single nucleotide variant.
Coding change: c.3013A>G on transcript NM_000093.5 (MANE Select); coding-DNA position 3013, A replaced by G.
Protein change: p.Thr1005Ala; replaces threonine 1005 with alanine.
Molecular consequence: missense variant.
Genome position (GRCh38, 1-based): chr9:134,802,894, A>G. VCF-style: chr9-134802894-A-G. GRCh37 (hg19) VCF-style: chr9-137694740-A-G.
Other names: p.T1005A:ACG>GCG; c.3013A>G, p.Thr1005Ala (NM_001278074.1); short protein forms T1005A.
Identifiers: ClinVar variation 212954 (VCV000212954.2), dbSNP rs863223446, ClinGen allele CA321161.